The following is an entry in ClinVar:

NM_004064.5(CDKN1B):c.365C>T (p.Pro122Leu)

Gene: CDKN1B (cyclin dependent kinase inhibitor 1B; plus strand). Cytogenetic location: 12p13.1.
Variant type: single nucleotide variant.
Coding change: c.365C>T on transcript NM_004064.5 (MANE Select); coding-DNA position 365, C replaced by T.
Protein change: p.Pro122Leu; replaces proline 122 with leucine.
Molecular consequence: missense variant.
Genome position (GRCh38, 1-based): chr12:12,718,204, C>T. VCF-style: chr12-12718204-C-T. GRCh37 (hg19) VCF-style: chr12-12871138-C-T.
Other names: short protein forms P122L.
Identifiers: ClinVar variation 536833 (VCV000536833.15), dbSNP rs146973564, ClinGen allele CA6457477.

ClinVar aggregate classification (germline): Conflicting classifications of pathogenicity. Review status: criteria provided, conflicting classifications (1 of 4 stars). 4 submissions from 4 submitters: Uncertain significance (1); Benign (3). Last evaluated 2026-02-01.

Conditions:
Hereditary cancer-predisposing syndrome. Also called: Neoplastic Syndromes, Hereditary; Tumor predisposition; Hereditary Cancer Syndrome; Hereditary neoplastic syndrome. Identifiers: Orphanet 140162, MedGen C0027672, MeSH D009386, MONDO:0015356.
Ovarian cancer. Also called: OVARIAN CANCER, SOMATIC. Identifiers: Orphanet 213500, MedGen C1140680, MONDO:0008170, OMIM 167000.
Multiple endocrine neoplasia type 4. Also called: MULTIPLE ENDOCRINE NEOPLASIA, TYPE IV. Identifiers: Orphanet 276152, MedGen C1970712, MONDO:0012552, OMIM 610755.

Allele frequency attached by ClinVar (database versions not stated): gnomAD 0.00001; TOPMed 0.00001; ExAC 0.00003; gnomAD exomes 0.00003; ESP Exome Variant Server 0.00008.

Submissions (4):

Labcorp Genetics (formerly Invitae), Labcorp
Classification: Uncertain significance for Multiple endocrine neoplasia type 4. Last evaluated: 2026-02-01. Review status: criteria provided, single submitter. Criteria: Invitae Variant Classification Sherloc (09022015). Collection method: clinical testing. Allele origin: germline.
Comment: This sequence change replaces proline, which is neutral and non-polar, with leucine, which is neutral and non-polar, at codon 122 of the CDKN1B protein (p.Pro122Leu). This variant is present in population databases (rs146973564, gnomAD 0.02%). This variant has not been reported in the literature in individuals affected with CDKN1B-related conditions. ClinVar contains an entry for this variant (Variation ID: 536833). An algorithm developed to predict the effect of missense changes on protein structure and function (PolyPhen-2) suggests that this variant is likely to be tolerated. In summary, the available evidence is currently insufficient to determine the role of this variant in disease. Therefore, it has been classified as a Variant of Uncertain Significance.

Ambry Genetics
Classification: Benign for Hereditary cancer-predisposing syndrome. Last evaluated: 2022-07-29. Review status: criteria provided, single submitter. Criteria: Ambry Variant Classification Scheme 2023. Collection method: clinical testing. Allele origin: germline.

Laboratory of Molecular Epidemiology of Birth Defects, West China Second University Hospital, Sichuan University
Classification: Benign for Ovarian cancer. Last evaluated: 2022-01-01. Review status: criteria provided, single submitter. Criteria: ACMG Guidelines, 2015. Collection method: clinical testing. Allele origin: germline. Affected: yes.

Sema4
Classification: Benign for Hereditary cancer-predisposing syndrome. Last evaluated: 2020-10-29. Review status: criteria provided, single submitter. Criteria: Sema4 Curation Guidelines. Collection method: curation. Allele origin: germline.